The following is an entry in ClinVar:

ClinVar aggregate classification (germline): Uncertain significance (1 of 4 stars; one submission).

Conditions:
Hereditary cancer-predisposing syndrome. Also called: Hereditary Cancer Syndrome; Hereditary neoplastic syndrome; Neoplastic Syndromes, Hereditary; Tumor predisposition. Identifiers: Orphanet 140162, MedGen C0027672, MeSH D009386, MONDO:0015356.

gnomAD v4.1: 1 of 1,613,876 alleles (0.000062%); highest among the groups gnomAD compares: South Asian, 0.0011%; no homozygotes.

Submission:

Ambry Genetics
Classification: Uncertain significance for Hereditary cancer-predisposing syndrome. Last evaluated: 2025-08-02. Review status: criteria provided, single submitter. Criteria: Ambry Variant Classification Scheme 2023. Collection method: clinical testing. Allele origin: germline.
Comment: The p.S12R variant (also known as c.36C>G), located in coding exon 1 of the CDKN1B gene, results from a C to G substitution at nucleotide position 36. The serine at codon 12 is replaced by arginine, an amino acid with dissimilar properties. This amino acid position is conserved. In addition, this alteration is predicted to be tolerated by in silico analysis. Based on the available evidence, the clinical significance of this variant remains unclear.

NM_004064.5(CDKN1B):c.36C>G (p.Ser12Arg)

Gene: CDKN1B (cyclin dependent kinase inhibitor 1B; plus strand). Cytogenetic location: 12p13.1.
Variant type: single nucleotide variant.
Coding change: c.36C>G on transcript NM_004064.5 (MANE Select); coding-DNA position 36, C replaced by G.
Protein change: p.Ser12Arg; replaces serine 12 with arginine.
Molecular consequence: missense variant.
Genome position (GRCh38, 1-based): chr12:12,717,875, C>G. VCF-style: chr12-12717875-C-G. GRCh37 (hg19) VCF-style: chr12-12870809-C-G.
Other names: short protein forms S12R.
Identifiers: ClinVar variation 4224734 (VCV004224734.1).